The following is an entry in ClinVar:

ClinVar aggregate classification (germline): Uncertain significance. Review status: criteria provided, multiple submitters, no conflicts (2 of 4 stars). 2 submissions from 2 submitters: Uncertain significance (2). Last evaluated 2025-10-02.

Conditions:
Epidermolysis bullosa simplex with nail dystrophy (EBS5D). Identifiers: MedGen C4225309, MONDO:0014661, OMIM 616487.
Epidermolysis bullosa simplex 5B, with muscular dystrophy (EBS5B). Also called: EPIDERMOLYSIS BULLOSA SIMPLEX AND LIMB-GIRDLE MUSCULAR DYSTROPHY; Epidermolysis bullosa simplex with muscular dystrophy. Identifiers: Orphanet 257, MedGen C2931072, MONDO:0009181, OMIM 226670.
Epidermolysis bullosa simplex 5C, with pyloric atresia (EBS5C). Also called: PLEC-Related Epidermolysis Bullosa with Pyloric Atresia; Epidermolysis bullosa simplex with pyloric atresia; PLEC1-Related Epidermolysis Bullosa with Pyloric Atresia. Identifiers: Orphanet 158684, MedGen C2677349, MONDO:0012807, OMIM 612138.
Autosomal recessive limb-girdle muscular dystrophy type 2Q (LGMDR17). Also called: MUSCULAR DYSTROPHY, LIMB-GIRDLE, AUTOSOMAL RECESSIVE 17. Identifiers: Orphanet 254361, MedGen C3150989, MONDO:0013390, OMIM 613723.
Epidermolysis bullosa simplex, Ogna type (EBS5A). Also called: Pidermolysis bullosa simplex 5A, Ogna type; EPIDERMOLYSIS BULLOSA SIMPLEX 5A, OGNA TYPE. Identifiers: Orphanet 79401, MedGen C0432317, MONDO:0007555, OMIM 131950.
Inborn genetic diseases. Identifiers: MedGen C0950123, MeSH D030342.

gnomAD v4.1: 14 of 1,594,886 alleles (0.00088%); highest among the groups gnomAD compares: Middle Eastern, 0.017%; no homozygotes.

Submissions (2):

Labcorp Genetics (formerly Invitae), Labcorp
Classification: Uncertain significance for Autosomal recessive limb-girdle muscular dystrophy type 2Q; Epidermolysis bullosa simplex, Ogna type; Epidermolysis bullosa simplex with nail dystrophy; Epidermolysis bullosa simplex 5C, with pyloric atresia; Epidermolysis bullosa simplex 5B, with muscular dystrophy. Last evaluated: 2025-10-02. Review status: criteria provided, single submitter. Criteria: Invitae Variant Classification Sherloc (09022015). Collection method: clinical testing. Allele origin: germline.
Comment: This sequence change replaces arginine, which is basic and polar, with glycine, which is neutral and non-polar, at codon 2029 of the PLEC protein (p.Arg2029Gly). This variant is not present in population databases (gnomAD no frequency). This variant has not been reported in the literature in individuals affected with PLEC-related conditions. ClinVar contains an entry for this variant (Variation ID: 2926710). Experimental studies and prediction algorithms are not available or were not evaluated, and the functional significance of this variant is currently unknown. In summary, the available evidence is currently insufficient to determine the role of this variant in disease. Therefore, it has been classified as a Variant of Uncertain Significance.

Ambry Genetics
Classification: Uncertain significance for Inborn genetic diseases. Last evaluated: 2025-09-10. Review status: criteria provided, single submitter. Criteria: Ambry Variant Classification Scheme 2023. Collection method: clinical testing. Allele origin: germline.

NM_201384.3(PLEC):c.6004C>G (p.Arg2002Gly)

Gene: PLEC (plectin; minus strand). Cytogenetic location: 8q24.3.
Variant type: single nucleotide variant.
Coding change: c.6004C>G on transcript NM_201384.3 (MANE Select); coding-DNA position 6004, C replaced by G.
Protein change: p.Arg2002Gly; replaces arginine 2002 with glycine.
Molecular consequence: missense variant. On other transcripts: intron variant (1).
Genome position (GRCh38, 1-based): chr8:143,923,925, G>C on the plus strand (C>G on the coding strand, the complement: PLEC is on the minus strand). VCF-style: chr8-143923925-G-C. GRCh37 (hg19) VCF-style: chr8-144998093-G-C.
Other names: c.6085C>G (NM_000445.3); c.6085C>G, p.Arg2029Gly (NM_000445.5); c.5962C>G, p.Arg1988Gly (NM_201378.4); c.5938C>G, p.Arg1980Gly (NM_201379.3); c.6415C>G, p.Arg2139Gly (NM_201380.4); c.5908C>G, p.Arg1970Gly (NM_201381.3); c.6004C>G, p.Arg2002Gly (NM_201382.4); c.6016C>G, p.Arg2006Gly (NM_201383.3); and 1 more; short protein forms R2029G, R2139G, R1970G, R1988G, R2006G, R2002G, R1980G.
Identifiers: ClinVar variation 2926710 (VCV002926710.4), dbSNP rs782502722, ClinGen allele CA187615183.